The following is an entry in ClinVar:

NM_000784.4(CYP27A1):c.808C>T (p.Arg270Ter)

Gene: CYP27A1 (cytochrome P450 family 27 subfamily A member 1; plus strand). Cytogenetic location: 2q35.
Variant type: single nucleotide variant.
Coding change: c.808C>T on transcript NM_000784.4 (MANE Select); coding-DNA position 808, C replaced by T.
Protein change: p.Arg270Ter; replaces arginine 270 with a stop codon.
Molecular consequence: nonsense.
Genome position (GRCh38, 1-based): chr2:218,812,713, C>T. VCF-style: chr2-218812713-C-T. GRCh37 (hg19) VCF-style: chr2-219677436-C-T.
Other names: c.808C>T; short protein forms R270*.
Identifiers: ClinVar variation 65902 (VCV000065902.43), dbSNP rs72551318, ClinGen allele CA345241.
Genomic context (GRCh38, chr2:218,812,713, plus strand): 5'-AACTCACTCTATGCCACCTTCCTCCCCAAGTGGACTCGCCCCGTGCTGCCTTTCTGGAAG[C>T]GATACCTGGATGGTTGGAATGCCATCTTTTCCTTTGGTGAGGACTCCCAGATGGGGCCCA-3'

ClinVar aggregate classification (germline): Pathogenic. Review status: criteria provided, multiple submitters, no conflicts (2 of 4 stars). 15 submissions from 15 submitters: Pathogenic (13). 2 of the submissions do not count toward it. Last evaluated 2026-05-13.

Conditions:
CYP27A1-related disorder. Also called: CYP27A1-related condition.
Cholestanol storage disease (CTX). Also called: Cerebrotendinous Xanthomatosis; CEREBRAL CHOLESTERINOSIS; CTX: Cerebrotendinous xanthomatosis. Identifiers: Orphanet 909, MedGen C0238052, MONDO:0008948, OMIM 213700.

Allele frequency attached by ClinVar (database versions not stated): TOPMed 0.00004; ESP Exome Variant Server 0.00008.

Submissions (15):

PreventionGenetics, part of Exact Sciences
Classification: Pathogenic for CYP27A1-related condition. Last evaluated: 2026-05-13. Review status: criteria provided, single submitter. Criteria: ACMG Guidelines, 2015. Collection method: clinical testing. Allele origin: germline.
Comment: The CYP27A1 c.808C>T variant is predicted to result in premature protein termination (p.Arg270*). This variant, known as Arg237* using legacy nomenclature, has been reported in the homozygous and compound heterozygous state in individuals with cerebrotendinous xanthomatosis (For example: Sperhake et al. 2000. PubMed ID: 10741487; Alhariri et al. 2017. PubMed ID: 28590052; Ginanneschi et al. 2012. PubMed ID: 22878431; Degos et al. 2016. PubMed ID: 27084087; Roeben et al. 2020. PubMed ID: 32531740; Zubarioglu et al. 2024. PubMed ID: 38772327. This variant has been reported to segregate with disease in a family (Ahmed et al. 1997. PubMed ID: 9008528). This variant is reported in 0.012% of alleles in individuals of African descent in gnomAD. Nonsense variants in CYP27A1 are expected to be pathogenic. This variant is interpreted as pathogenic.

Otogenetics
Classification: Pathogenic for Cholestanol storage disease. Last evaluated: 2026-02-01. Review status: criteria provided, single submitter. Criteria: ACMG Guidelines, 2015. Collection method: clinical testing. Allele origin: germline.

Natera, Inc.
Classification: Pathogenic for Cerebrotendinous xanthomatosis. Last evaluated: 2025-11-03. Review status: criteria provided, single submitter. Criteria: Natera Variant Classification Schema (03/2026). Collection method: clinical testing. Allele origin: germline.
Comment: The c.808C>T variant in CYP27A1 is a nonsense variant predicted to introduce a stop codon at amino acid 270. This variant is expected to result in nonsense mediated decay, truncation, or a dysfunctional protein product. This variant is rare in the general population with a frequency below the threshold expected for the associated phenotype(s). This variant has been observed in one or more individuals affected with the associated recessive disease, as either homozygous or compound heterozygous with a second variant (PMID: 10741487, 9008528, 31384146). Given the available evidence, this variant is classified as Pathogenic.

Labcorp Genetics (formerly Invitae), Labcorp
Classification: Pathogenic for Cholestanol storage disease. Last evaluated: 2025-06-15. Review status: criteria provided, single submitter. Criteria: Invitae Variant Classification Sherloc (09022015). Collection method: clinical testing. Allele origin: germline.
Comment: This sequence change creates a premature translational stop signal (p.Arg270*) in the CYP27A1 gene. It is expected to result in an absent or disrupted protein product. Loss-of-function variants in CYP27A1 are known to be pathogenic (PMID: 9392430, 10775536, 26937392). This variant is present in population databases (rs72551318, gnomAD 0.007%). This premature translational stop signal has been observed in individual(s) with cerebrotendinous xanthomatosis (PMID: 9008528, 10741487, 22878431, 28590052). It has also been observed to segregate with disease in related individuals. This variant is also known as R237X. ClinVar contains an entry for this variant (Variation ID: 65902). For these reasons, this variant has been classified as Pathogenic.

GeneDx
Classification: Pathogenic. Last evaluated: 2025-05-23. Review status: criteria provided, single submitter. Criteria: GeneDx Variant Classification Process June 2021. Collection method: clinical testing. Allele origin: germline. Affected: yes.
Comment: Nonsense variant predicted to result in protein truncation or nonsense mediated decay in a gene for which loss of function is a known mechanism of disease; This variant is associated with the following publications: (PMID: 10741487, 25525159, 36964972, 21764626, 16816916, 9008528, 28590052, 32531740, 31589614, 22878431, 31345219, 33891937, 33704661, 38772327)

Revvity Omics, Revvity
Classification: Pathogenic for Cholestanol storage disease. Last evaluated: 2024-08-23. Review status: criteria provided, single submitter. Criteria: ACMG Guidelines, 2015. Collection method: clinical testing. Allele origin: germline.

Fulgent Genetics
Classification: Pathogenic for Cholestanol storage disease. Last evaluated: 2024-03-05. Review status: criteria provided, single submitter. Criteria: ACMG Guidelines, 2015. Collection method: clinical testing. Allele origin: germline.

Blueprint Genetics
Classification: Pathogenic for CYP27A1-related disorders. Last evaluated: 2023-05-22. Review status: criteria provided, single submitter. Criteria: ACMG Guidelines, 2015. Collection method: clinical testing. Allele origin: germline. Affected: yes. Observed: 2 variant alleles.

MGZ Medical Genetics Center
Classification: Pathogenic for Cholestanol storage disease. Last evaluated: 2022-05-16. Review status: criteria provided, single submitter. Criteria: ACMG Guidelines, 2015. Collection method: clinical testing. Allele origin: germline. Affected: yes. Observed: 1 variant allele.
Comment: ACMG criteria applied: PVS1, PM3_STR, PS4_MOD, PM2_SUP

Institute of Medical Genetics and Applied Genomics, University Hospital Tübingen
Classification: Pathogenic. Last evaluated: 2020-10-23. Review status: criteria provided, single submitter. Criteria: ACMG Guidelines, 2015. Collection method: clinical testing. Allele origin: germline. Inheritance: Autosomal recessive inheritance. Affected: yes.

Eurofins Ntd Llc (ga)
Classification: Pathogenic. Last evaluated: 2018-09-17. Review status: criteria provided, single submitter. Criteria: EGL ClinVar v180209 classification definitions. Collection method: clinical testing. Allele origin: germline. Observed: 2 variant alleles, 2 heterozygotes.

Genomic Research Center, Shahid Beheshti University of Medical Sciences
Classification: Pathogenic for Cholestanol storage disease. Last evaluated: 2017-12-03. Review status: criteria provided, single submitter. Criteria: ACMG Guidelines, 2015. Collection method: clinical testing. Allele origin: inherited. Affected: yes.

Juno Genomics, Hangzhou Juno Genomics, Inc
Classification: Pathogenic for Cholestanol storage disease. Review status: criteria provided, single submitter. Criteria: ACMG Guidelines, 2015. Collection method: clinical testing. Allele origin: germline.
Comment: Absent from controls (or at extremely low frequency if recessive) in Genome Aggregation Database.;Null variant in a gene where loss of function (LOF) is a known mechanism of disease.;For recessive disorders, detected in trans with a pathogenic variant.;Patient's phenotype or family history is highly specific for a disease with a single genetic etiology.

Counsyl
Classification: Pathogenic for Cholestanol storage disease. Last evaluated: 2017-09-22. Review status: no assertion criteria provided. Collection method: clinical testing. Allele origin: unknown. Not counted in ClinVar's aggregate classification.

GeneReviews
Classification: Pathogenic for Cerebrotendinous Xanthomatosis. Last evaluated: 2013-08-01. Review status: no assertion criteria provided. Collection method: curation. Allele origin: unknown. Not counted in ClinVar's aggregate classification.
ClinVar note: Converted during submission from pathologic to Pathogenic.

Literature cited by the submitters: PubMed 9392430 (cited by Otogenetics and Labcorp Genetics (formerly Invitae), Labcorp); PubMed 10741487 (cited by 3 submitters); PubMed 22878431 (cited by 3 submitters); PubMed 28590052 (cited by Otogenetics and Labcorp Genetics (formerly Invitae), Labcorp); PVS1: Stop gain variant introduces premature stop codon in gene with loss of function as mechanism of disease, predicted to undergo NMD (cited by Otogenetics); PM2: Maximum gnomAD MAF of 0.0123% in African (AFR) subpopulation (<0.145% threshold) (cited by Otogenetics); PM3_Strong: Variant reported in trans with four pathogenic variants in four individuals affected with cerebrotendinous xanthomatosis (PMID: 9392430, 10741487, 22878431, 28590052) (cited by Otogenetics); PubMed 9008528 (cited by Natera, Inc. and Labcorp Genetics (formerly Invitae), Labcorp); PubMed 31384146 (cited by Natera, Inc.); PubMed 10775536 (cited by Labcorp Genetics (formerly Invitae), Labcorp); PubMed 26937392 (cited by Labcorp Genetics (formerly Invitae), Labcorp); PubMed 27084087 (cited by Counsyl).